The following is an entry in ClinVar:

NM_138295.5(PKD1L1):c.4821A>T (p.Lys1607Asn)

Gene: PKD1L1 (polycystin 1 like 1, transient receptor potential channel interacting; minus strand). Cytogenetic location: 7p12.3.
Variant type: single nucleotide variant.
Coding change: c.4821A>T on transcript NM_138295.5 (MANE Select); coding-DNA position 4821, A replaced by T.
Protein change: p.Lys1607Asn; replaces lysine 1607 with asparagine.
Molecular consequence: missense variant.
Genome position (GRCh38, 1-based): chr7:47,854,920, T>A on the plus strand (A>T on the coding strand, the complement: PKD1L1 is on the minus strand). VCF-style: chr7-47854920-T-A. GRCh37 (hg19) VCF-style: chr7-47894518-T-A.
Other names: short protein forms K1607N.
Identifiers: ClinVar variation 787668 (VCV000787668.35), dbSNP rs147417448, ClinGen allele CA4253023.

ClinVar aggregate classification (germline): Likely benign. Review status: criteria provided, multiple submitters, no conflicts (2 of 4 stars). 5 submissions from 5 submitters: Likely benign (4). 1 of the submissions does not count toward it. Last evaluated 2026-01-19.

Conditions:
PKD1L1-related disorder. Also called: PKD1L1-related condition.

Allele frequency attached by ClinVar (database versions not stated): 1000 Genomes Project 30x 0.00016; 1000 Genomes Project 0.00020; TOPMed 0.00025; ESP Exome Variant Server 0.00038; gnomAD 0.00051 and 0.00060; gnomAD exomes 0.00087; ExAC 0.00090.
gnomAD v4.1: 872 of 1,614,086 alleles (0.054%); highest among the groups gnomAD compares: East Asian, 0.31%; 3 homozygotes.

Submissions (5):

Labcorp Genetics (formerly Invitae), Labcorp
Classification: Likely benign. Last evaluated: 2026-01-19. Review status: criteria provided, single submitter. Criteria: Invitae Variant Classification Sherloc (09022015). Collection method: clinical testing. Allele origin: germline.

CeGaT Center for Human Genetics Tuebingen
Classification: Likely benign. Last evaluated: 2026-01-01. Review status: criteria provided, single submitter. Criteria: CeGaT Center For Human Genetics Tuebingen Variant Classification Criteria Version 2. Collection method: clinical testing. Allele origin: germline. Affected: yes. Observed: 2 variant alleles.
Comment: PKD1L1: BP4, BS2

Women's Health and Genetics/Laboratory Corporation of America, LabCorp
Classification: Likely benign. Last evaluated: 2025-03-27. Review status: criteria provided, single submitter. Criteria: LabCorp Variant Classification Summary - May 2015. Collection method: clinical testing. Allele origin: germline.
Comment: Variant summary: PKD1L1 c.4821A>T (p.Lys1607Asn) results in a non-conservative amino acid change in the encoded protein sequence. Three of five in-silico tools predict a benign effect of the variant on protein function. The variant allele was found at a frequency of 0.00054 in 1614086 control chromosomes, predominantly at a frequency of 0.0031 within the East Asian subpopulation in the gnomAD database, including 2 homozygotes. The observed variant frequency within East Asian control individuals in the gnomAD database exceeds the estimated maximal expected allele frequency for a pathogenic variant in PKD1L1 causing Heterotaxy, Visceral, 8, Autosomal phenotype. To our knowledge, no occurrence of c.4821A>T in individuals affected with Heterotaxy, Visceral, 8, Autosomal and no experimental evidence demonstrating its impact on protein function have been reported. ClinVar contains an entry for this variant (Variation ID: 787668). Based on the evidence outlined above, the variant was classified as likely benign.

Blueprint Genetics
Classification: Likely benign. Last evaluated: 2024-11-14. Review status: criteria provided, single submitter. Criteria: ACMG Guidelines, 2015. Collection method: clinical testing. Allele origin: germline.

PreventionGenetics, part of Exact Sciences
Classification: Likely benign for PKD1L1-related condition. Last evaluated: 2022-03-07. Review status: no assertion criteria provided. Collection method: clinical testing. Allele origin: germline. Not counted in ClinVar's aggregate classification.
Comment: This variant is classified as likely benign based on ACMG/AMP sequence variant interpretation guidelines (Richards et al. 2015 PMID: 25741868, with internal and published modifications).